The following is an entry in ClinVar:

NM_001458.5(FLNC):c.6501G>A (p.Met2167Ile)

Genes: FLNC (filamin C; plus strand), FLNC-AS1 (FLNC antisense RNA 1; minus strand). Cytogenetic location: 7q32.1.
Variant type: single nucleotide variant.
Coding change: c.6501G>A on transcript NM_001458.5 (MANE Select); coding-DNA position 6501, G replaced by A.
Protein change: p.Met2167Ile; replaces methionine 2167 with isoleucine.
Molecular consequence: missense variant.
Genome position (GRCh38, 1-based): chr7:128,853,990, G>A. VCF-style: chr7-128853990-G-A. GRCh37 (hg19) VCF-style: chr7-128494044-G-A.
Other names: c.6402G>A, p.Met2134Ile (NM_001127487.2); short protein forms M2134I, M2167I.
Identifiers: ClinVar variation 3755780 (VCV003755780.2).

ClinVar aggregate classification (germline): Uncertain significance (1 of 4 stars; one submission).

Conditions:
Distal myopathy with posterior leg and anterior hand involvement. Also called: WILLIAMS DISTAL MYOPATHY. Identifiers: Orphanet 63273, MedGen C3279722, MONDO:0013550, OMIM 614065.
Hypertrophic cardiomyopathy 26. Also called: Cardiomyopathy, familial hypertrophic, 26. Identifiers: Orphanet 75249, MedGen C4310749, MONDO:0014883, OMIM 617047.
Myofibrillar myopathy 5. Also called: Filaminopathy (type); FILAMINOPATHY, AUTOSOMAL DOMINANT. Identifiers: Orphanet 171445, MedGen C1836050, MONDO:0012289, OMIM 609524.

Submission:

Labcorp Genetics (formerly Invitae), Labcorp
Classification: Uncertain significance for Distal myopathy with posterior leg and anterior hand involvement; Myofibrillar myopathy 5; Hypertrophic cardiomyopathy 26. Last evaluated: 2024-04-19. Review status: criteria provided, single submitter. Criteria: Invitae Variant Classification Sherloc (09022015). Collection method: clinical testing. Allele origin: germline.
Comment: This sequence change replaces methionine, which is neutral and non-polar, with isoleucine, which is neutral and non-polar, at codon 2167 of the FLNC protein (p.Met2167Ile). This variant is not present in population databases (gnomAD no frequency). This variant has not been reported in the literature in individuals affected with FLNC-related conditions. An algorithm developed to predict the effect of missense changes on protein structure and function (PolyPhen-2) suggests that this variant is likely to be tolerated. In summary, the available evidence is currently insufficient to determine the role of this variant in disease. Therefore, it has been classified as a Variant of Uncertain Significance.